The following is an entry in ClinVar:

ClinVar aggregate classification (germline): Likely pathogenic (1 of 4 stars; one submission).

Conditions:
Aspartylglucosaminuria (AGU). Also called: Aspartylglucos-aminuria; Aspartylglucos-amidase (AGA) deficiency; AGA DEFICIENCY; GLYCOASPARAGINASE; GLYCOSYLASPARAGINASE DEFICIENCY. Identifiers: Orphanet 93, MedGen C0268225, MONDO:0008830, OMIM 208400, HP:0012068.

gnomAD v4.1: 3 of 1,614,034 alleles (0.00019%); highest among the groups gnomAD compares: Non-Finnish European, 0.00025%; no homozygotes.

Submission:

Myriad Genetics, Inc.
Classification: Likely pathogenic for Aspartylglucosaminuria. Last evaluated: 2025-04-16. Review status: criteria provided, single submitter. Criteria: Myriad Autosomal Dominant, Autosomal Recessive and X-Linked Classification Criteria (2023). Collection method: clinical testing. Allele origin: unknown.
Comment: NM_000027.3(AGA):c.940+1G>C is a variant in a canonical splice site classified as likely pathogenic in the context of aspartylglucosaminuria. c.940+1G>C has not been observed in cases with relevant disease. Relevant functional assessments of this variant are not available in the literature. c.940+1G>C has not been observed in referenced population frequency databases. In summary, NM_000027.3(AGA):c.940+1G>C is a variant in a canonical splice site in a gene where loss of function is a known mechanism of disease and is predicted to disrupt protein function. Please note: this variant was assessed in the context of healthy population screening.

NM_000027.4(AGA):c.940+1G>C

Gene: AGA (aspartylglucosaminidase; minus strand). Cytogenetic location: 4q34.3.
Variant type: single nucleotide variant.
Coding change: c.940+1G>C on transcript NM_000027.4 (MANE Select); the canonical splice donor site of the intron after coding-DNA position 940, G replaced by C.
Molecular consequence: splice donor variant.
Genome position (GRCh38, 1-based): chr4:177,433,213, C>G on the plus strand (G>C on the coding strand, the complement: AGA is on the minus strand). VCF-style: chr4-177433213-C-G. GRCh37 (hg19) VCF-style: chr4-178354367-C-G.
Other names: c.910+1G>C (NM_001171988.2).
Identifiers: ClinVar variation 4081665 (VCV004081665.1).